The following is an entry in ClinVar:

ClinVar aggregate classification (germline): Likely benign. Review status: criteria provided, multiple submitters, no conflicts (2 of 4 stars). 7 submissions from 7 submitters: Likely benign (7). Last evaluated 2025-12-29.

Conditions:
Cardiovascular phenotype. Identifiers: MedGen CN230736.
Cardiomyopathy (CMYO). Also called: Cardiomyopathies. Identifiers: Orphanet 167848, MedGen C0878544, MONDO:0004994, HP:0001638. Inheritance: Various modes of inheritance.
Hypertrophic cardiomyopathy. Also called: HYPERTROPHIC MYOCARDIOPATHY. Identifiers: Orphanet 217569, MedGen C0007194, MeSH D002312, MONDO:0005045, HP:0001639.

Allele frequency attached by ClinVar (database versions not stated): TOPMed below 0.00001; gnomAD exomes 0.00001; ExAC 0.00002.
gnomAD v4.1: 15 of 1,613,862 alleles (0.00093%); highest among the groups gnomAD compares: Middle Eastern, 0.016%; no homozygotes.

Submissions (7):

Labcorp Genetics (formerly Invitae), Labcorp
Classification: Likely benign for Hypertrophic cardiomyopathy. Last evaluated: 2025-12-29. Review status: criteria provided, single submitter. Criteria: Invitae Variant Classification Sherloc (09022015). Collection method: clinical testing. Allele origin: germline.

Molecular Diagnostic Laboratory for Inherited Cardiovascular Disease, Montreal Heart Institute
Classification: Likely benign. Last evaluated: 2025-04-09. Review status: criteria provided, single submitter. Criteria: ACMG Guidelines, 2015. Collection method: clinical testing. Allele origin: germline. Affected: no.

Blueprint Genetics
Classification: Likely benign. Last evaluated: 2024-03-05. Review status: criteria provided, single submitter. Criteria: ACMG Guidelines, 2015. Collection method: clinical testing. Allele origin: germline.

All of Us Research Program, National Institutes of Health
Classification: Likely benign for Hypertrophic cardiomyopathy. Last evaluated: 2024-02-05. Review status: criteria provided, single submitter. Criteria: ACMG Guidelines, 2015. Collection method: clinical testing. Allele origin: germline. Inheritance: Autosomal dominant inheritance. Observed: 3 variant alleles, 3 heterozygotes.
Comment: This study involves interpretation of variants in research participants for the purpose of population health screening. Participant phenotype was not available at the time of variant classification. Additional details can be found in publication PMID: 35346344, PMCID: PMC8962531

Ambry Genetics
Classification: Likely benign for Cardiovascular phenotype. Last evaluated: 2023-08-07. Review status: criteria provided, single submitter. Criteria: Ambry Variant Classification Scheme 2023. Collection method: clinical testing. Allele origin: germline.

Color Diagnostics, LLC DBA Color Health
Classification: Likely benign for Cardiomyopathy. Last evaluated: 2019-04-14. Review status: criteria provided, single submitter. Criteria: ACMG Guidelines, 2015. Collection method: clinical testing. Allele origin: germline.

Laboratory for Molecular Medicine, Mass General Brigham Personalized Medicine
Classification: Likely benign. Last evaluated: 2012-03-22. Review status: criteria provided, single submitter. Criteria: LMM Criteria. Collection method: clinical testing. Allele origin: germline. Observed: 2 variant alleles.
Comment: Val1235Val in exon 33 of MYBPC3: This variant is not expected to have clinical s ignificance because it does not alter an amino acid residue and it is not locate d within the splice consensus sequence. Val1235Val in exon 33 of MYBPC3 (allel e frequency = n/a)

NM_000256.3(MYBPC3):c.3705G>A (p.Val1235=)

Gene: MYBPC3 (myosin binding protein C3; minus strand). Cytogenetic location: 11p11.2.
Variant type: single nucleotide variant.
Coding change: c.3705G>A on transcript NM_000256.3 (MANE Select); coding-DNA position 3705, G replaced by A.
Protein change: p.Val1235=; no amino-acid change (valine 1235 retained).
Molecular consequence: synonymous variant.
Genome position (GRCh38, 1-based): chr11:47,332,181, C>T on the plus strand (G>A on the coding strand, the complement: MYBPC3 is on the minus strand). VCF-style: chr11-47332181-C-T. GRCh37 (hg19) VCF-style: chr11-47353732-C-T.
Identifiers: ClinVar variation 42734 (VCV000042734.19), dbSNP rs397516036, ClinGen allele CA014668.